The following is an entry in ClinVar:

NM_022552.5(DNMT3A):c.1447G>C (p.Val483Leu)

Gene: DNMT3A (DNA methyltransferase 3 alpha; minus strand). Cytogenetic location: 2p23.3.
Variant type: single nucleotide variant.
Coding change: c.1447G>C on transcript NM_022552.5 (MANE Select); coding-DNA position 1447, G replaced by C.
Protein change: p.Val483Leu; replaces valine 483 with leucine.
Molecular consequence: missense variant. On other transcripts: non-coding transcript variant (1).
Genome position (GRCh38, 1-based): chr2:25,246,047, C>G on the plus strand (G>C on the coding strand, the complement: DNMT3A is on the minus strand). VCF-style: chr2-25246047-C-G. GRCh37 (hg19) VCF-style: chr2-25468916-C-G.
Other names: c.1447G>C, p.Val483Leu (NM_175629.2); c.991G>C, p.Val331Leu (NM_001320893.1); c.778G>C, p.Val260Leu (NM_001375819.1); c.880G>C, p.Val294Leu (NM_153759.3); short protein forms V294L, V331L, V483L, V260L.
Identifiers: ClinVar variation 4243605 (VCV004243605.1).

ClinVar aggregate classification (germline): Uncertain significance (1 of 4 stars; one submission).

Conditions:
Inborn genetic diseases. Identifiers: MedGen C0950123, MeSH D030342.

Submission:

Ambry Genetics
Classification: Uncertain significance for Inborn genetic diseases. Last evaluated: 2025-07-28. Review status: criteria provided, single submitter. Criteria: Ambry Variant Classification Scheme 2023. Collection method: clinical testing. Allele origin: germline.
Comment: The p.V483L variant (also known as c.1447G>C), located in coding exon 11 of the DNMT3A gene, results from a G to C substitution at nucleotide position 1447. The valine at codon 483 is replaced by leucine, an amino acid with highly similar properties. This amino acid position is conserved. In addition, this alteration is predicted to be tolerated by in silico analysis. Based on the available evidence, the clinical significance of this variant remains unclear.